The following is an entry in ClinVar:

ClinVar aggregate classification (germline): Uncertain significance (1 of 4 stars; one submission).

Conditions:
Inborn genetic diseases. Identifiers: MedGen C0950123, MeSH D030342.

Allele frequency attached by ClinVar (database versions not stated): gnomAD exomes below 0.00001.

Submission:

Ambry Genetics
Classification: Uncertain significance for Inborn genetic diseases. Last evaluated: 2018-04-24. Review status: criteria provided, single submitter. Criteria: Ambry Variant Classification Scheme 2023. Collection method: clinical testing. Allele origin: germline.
Comment: The p.M1960V variant (also known as c.5878A>G), located in coding exon 40 of the CACNA1A gene, results from an A to G substitution at nucleotide position 5878. The methionine at codon 1960 is replaced by valine, an amino acid with highly similar properties. This amino acid position is well conserved in available vertebrate species. In addition, the in silico prediction for this alteration is inconclusive. Since supporting evidence is limited at this time, the clinical significance of this alteration remains unclear.

NM_001127222.2(CACNA1A):c.5875A>G (p.Met1959Val)

Gene: CACNA1A (calcium voltage-gated channel subunit alpha1 A; minus strand). Cytogenetic location: 19p13.13.
Variant type: single nucleotide variant.
Coding change: c.5875A>G on transcript NM_001127222.2 (MANE Select); coding-DNA position 5875, A replaced by G.
Protein change: p.Met1959Val; replaces methionine 1959 with valine.
Molecular consequence: missense variant.
Genome position (GRCh38, 1-based): chr19:13,214,298, T>C on the plus strand (A>G on the coding strand, the complement: CACNA1A is on the minus strand). VCF-style: chr19-13214298-T-C. GRCh37 (hg19) VCF-style: chr19-13325112-T-C.
Other names: c.5893A>G, p.Met1965Val (NM_000068.4, NM_023035.3); c.5878A>G, p.Met1960Val (NM_001127221.2); c.5884A>G, p.Met1962Val (NM_001174080.2); short protein forms M1960V, M1962V, M1965V, M1959V.
Identifiers: ClinVar variation 1750228 (VCV001750228.2), dbSNP rs1289572963, ClinGen allele CA404334145.